The following is an entry in ClinVar:

NM_007214.5(SEC63):c.340-12_340-11del

Gene: SEC63 (SEC63 protein translocation regulator; minus strand). Cytogenetic location: 6q21.
Variant type: Deletion.
Coding change: c.340-12_340-11del on transcript NM_007214.5 (MANE Select); 12 bases into the intron before coding-DNA position 340 through 11 bases into the intron before coding-DNA position 340, 2 bases deleted (GT; older notation c.340-12_340-11delGT).
Molecular consequence: intron variant.
Genome position (GRCh38, 1-based): chr6:107,921,920-107,921,921, AC deleted on the plus strand (GT on the coding strand, the reverse complement: SEC63 is on the minus strand); deleting any 2 consecutive bases within chr6:107,921,920-107,921,922 gives the same sequence; the c. name uses the placement nearest the transcript's 3' end. VCF-style (leftmost placement, unchanged base first): chr6-107921919-AAC-A. GRCh37 (hg19) VCF-style: chr6-108243123-AAC-A.
Other names: p.?.
Identifiers: ClinVar variation 197286 (VCV000197286.21), dbSNP rs139413431, ClinGen allele CA202795.

ClinVar aggregate classification (germline): Benign/Likely benign. Review status: criteria provided, multiple submitters, no conflicts (2 of 4 stars). 6 submissions from 6 submitters: Benign (5); Likely benign (1). Last evaluated 2026-01-19.

Conditions:
Polycystic liver disease 2 (PCLD2). Also called: Polycystic liver disease 2 with or without kidney cysts. Identifiers: Orphanet 2924, MedGen C4310769, MONDO:0014860, OMIM 617004.

Submissions (6):

Labcorp Genetics (formerly Invitae), Labcorp
Classification: Benign. Last evaluated: 2026-01-19. Review status: criteria provided, single submitter. Criteria: Invitae Variant Classification Sherloc (09022015). Collection method: clinical testing. Allele origin: germline.

Blueprint Genetics
Classification: Benign. Last evaluated: 2024-11-27. Review status: criteria provided, single submitter. Criteria: ACMG Guidelines, 2015. Collection method: clinical testing. Allele origin: germline.

Mayo Clinic Laboratories, Mayo Clinic
Classification: Benign. Last evaluated: 2022-09-30. Review status: criteria provided, single submitter. Criteria: ACMG Guidelines, 2015. Collection method: clinical testing. Allele origin: germline. Observed: 55 variant alleles.
Comment: BA1

Genome-Nilou Lab
Classification: Benign for Polycystic liver disease 2. Last evaluated: 2021-07-15. Review status: criteria provided, single submitter. Criteria: ACMG Guidelines, 2015. Collection method: clinical testing. Allele origin: germline. Affected: no.

GeneDx
Classification: Benign. Last evaluated: 2019-09-09. Review status: criteria provided, single submitter. Criteria: GeneDx Variant Classification Process June 2021. Collection method: clinical testing. Allele origin: germline. Affected: yes.

Eurofins Ntd Llc (ga)
Classification: Likely benign. Last evaluated: 2018-01-04. Review status: criteria provided, single submitter. Criteria: EGL Classification Definitions 2015. Collection method: clinical testing. Allele origin: germline. Observed: 2 variant alleles, 1 heterozygote, 1 homozygote.